The following is an entry in ClinVar:

NM_001005373.4(LRSAM1):c.1544T>A (p.Leu515His)

Gene: LRSAM1 (leucine rich repeat and sterile alpha motif containing 1; plus strand). Cytogenetic location: 9q33.3.
Variant type: single nucleotide variant.
Coding change: c.1544T>A on transcript NM_001005373.4 (MANE Select); coding-DNA position 1544, T replaced by A.
Protein change: p.Leu515His; replaces leucine 515 with histidine.
Molecular consequence: missense variant. On other transcripts: non-coding transcript variant (2).
Genome position (GRCh38, 1-based): chr9:127,492,842, T>A. VCF-style: chr9-127492842-T-A. GRCh37 (hg19) VCF-style: chr9-130255121-T-A.
Other names: c.1544T>A, p.Leu515His (NM_001005374.4, NM_001384142.1, NM_001384143.1 and 1 more transcripts); c.1463T>A, p.Leu488His (NM_001190723.3); c.755T>A, p.Leu252His (NM_001384144.1); short protein forms L515H, L488H, L252H.
Identifiers: ClinVar variation 939421 (VCV000939421.9), dbSNP rs1835983507, ClinGen allele CA374934371.

ClinVar aggregate classification (germline): Uncertain significance (1 of 4 stars; one submission).

Conditions:
Charcot-Marie-Tooth disease axonal type 2P. Also called: CHARCOT-MARIE-TOOTH NEUROPATHY, TYPE 2P; CHARCOT-MARIE-TOOTH DISEASE, AXONAL, TYPE 2G; CMT 2G; Charcot-Marie-Tooth Neuropathy Type 2G. Identifiers: Orphanet 300319, Orphanet 99941, MedGen C3280797, MONDO:0013753, OMIM 614436.

Allele frequency attached by ClinVar (database versions not stated): gnomAD exomes below 0.00001; TOPMed below 0.00001; gnomAD 0.00001.
gnomAD v4.1: 2 of 1,613,808 alleles (0.00012%); highest among the groups gnomAD compares: Non-Finnish European, 0.00017%; no homozygotes.

Submission:

Labcorp Genetics (formerly Invitae), Labcorp
Classification: Uncertain significance for Charcot-Marie-Tooth disease axonal type 2P. Last evaluated: 2020-02-15. Review status: criteria provided, single submitter. Criteria: Invitae Variant Classification Sherloc (09022015). Collection method: clinical testing. Allele origin: germline.
Comment: This variant has not been reported in the literature in individuals with LRSAM1-related conditions. This variant is not present in population databases (ExAC no frequency). This sequence change replaces leucine with histidine at codon 515 of the LRSAM1 protein (p.Leu515His). The leucine residue is highly conserved and there is a moderate physicochemical difference between leucine and histidine. Algorithms developed to predict the effect of missense changes on protein structure and function (SIFT, PolyPhen-2, Align-GVGD) all suggest that this variant is likely to be disruptive, but these predictions have not been confirmed by published functional studies and their clinical significance is uncertain. In summary, the available evidence is currently insufficient to determine the role of this variant in disease. Therefore, it has been classified as a Variant of Uncertain Significance.